The following is an entry in ClinVar:

NM_006031.6(PCNT):c.3129C>T (p.Ala1043=)

Gene: PCNT (pericentrin; plus strand). Cytogenetic location: 21q22.3.
Variant type: single nucleotide variant.
Coding change: c.3129C>T on transcript NM_006031.6 (MANE Select); coding-DNA position 3129, C replaced by T.
Protein change: p.Ala1043=; no amino-acid change (alanine 1043 retained).
Molecular consequence: synonymous variant.
Genome position (GRCh38, 1-based): chr21:46,367,103, C>T. VCF-style: chr21-46367103-C-T. GRCh37 (hg19) VCF-style: chr21-47787018-C-T.
Other names: c.3129C>T (NM_006031.5); c.2775C>T, p.Ala925= (NM_001315529.2).
Identifiers: ClinVar variation 2913419 (VCV002913419.4), dbSNP rs536227217, ClinGen allele CA10079179.

ClinVar aggregate classification (germline): Likely benign. Review status: criteria provided, multiple submitters, no conflicts (2 of 4 stars). 2 submissions from 2 submitters: Likely benign (2). Last evaluated 2026-01-30.

Conditions:
PCNT-related disorder. Also called: PCNT-related condition.

Allele frequency attached by ClinVar (database versions not stated): ExAC 0.00001; gnomAD 0.00002; TOPMed 0.00002.
gnomAD v4.1: 22 of 1,613,476 alleles (0.0014%); highest among the groups gnomAD compares: Admixed American, 0.0033%; no homozygotes.

Submissions (2):

PreventionGenetics, part of Exact Sciences
Classification: Likely benign for PCNT-related condition. Last evaluated: 2026-01-30. Review status: criteria provided, single submitter. Criteria: ACMG Guidelines, 2015. Collection method: clinical testing. Allele origin: germline.
Comment: This variant is classified as likely benign based on ACMG/AMP sequence variant interpretation guidelines (Richards et al. 2015 PMID: 25741868, with internal and published modifications).

Labcorp Genetics (formerly Invitae), Labcorp
Classification: Likely benign. Last evaluated: 2025-12-15. Review status: criteria provided, single submitter. Criteria: Invitae Variant Classification Sherloc (09022015). Collection method: clinical testing. Allele origin: germline.